The following is an entry in ClinVar:

NM_022051.3(EGLN1):c.257C>G (p.Pro86Arg)

Gene: EGLN1 (egl-9 family hypoxia inducible factor 1; minus strand). Cytogenetic location: 1q42.2.
Variant type: single nucleotide variant.
Coding change: c.257C>G on transcript NM_022051.3 (MANE Select); coding-DNA position 257, C replaced by G.
Protein change: p.Pro86Arg; replaces proline 86 with arginine.
Molecular consequence: missense variant.
Genome position (GRCh38, 1-based): chr1:231,421,632, G>C on the plus strand (C>G on the coding strand, the complement: EGLN1 is on the minus strand). VCF-style: chr1-231421632-G-C. GRCh37 (hg19) VCF-style: chr1-231557378-G-C.
Other names: c.257C>G, p.Pro86Arg (NM_001377260.1, NM_001377261.1); short protein forms P86R.
Identifiers: ClinVar variation 2497588 (VCV002497588.3), dbSNP rs2527361033, ClinGen allele CA345238240.

ClinVar aggregate classification (germline): Uncertain significance (1 of 4 stars; one submission).

Submission:

Ambry Genetics
Classification: Uncertain significance. Last evaluated: 2025-05-29. Review status: criteria provided, single submitter. Criteria: Ambry Variant Classification Scheme 2023. Collection method: clinical testing. Allele origin: germline.
Comment: The p.P86R variant (also known as c.257C>G), located in coding exon 1 of the EGLN1 gene, results from a C to G substitution at nucleotide position 257. The proline at codon 86 is replaced by arginine, an amino acid with dissimilar properties. This amino acid position is conserved. In addition, this alteration is predicted to be tolerated by in silico analysis. Since supporting evidence is limited at this time, the clinical significance of this alteration remains unclear.